The following is an entry in ClinVar:

NM_001130144.3(LTBP3):c.311C>T (p.Thr104Met)

Gene: LTBP3 (latent transforming growth factor beta binding protein 3; minus strand). Cytogenetic location: 11q13.1.
Variant type: single nucleotide variant.
Coding change: c.311C>T on transcript NM_001130144.3 (MANE Select); coding-DNA position 311, C replaced by T.
Protein change: p.Thr104Met; replaces threonine 104 with methionine.
Molecular consequence: missense variant. On other transcripts: 5 prime UTR variant (1).
Genome position (GRCh38, 1-based): chr11:65,557,649, G>A on the plus strand (C>T on the coding strand, the complement: LTBP3 is on the minus strand). VCF-style: chr11-65557649-G-A. GRCh37 (hg19) VCF-style: chr11-65325120-G-A.
Other names: c.-37C>T (NM_001164266.1); c.311C>T, p.Thr104Met (NM_021070.4); c.311C>T (NM_001130144.2); short protein forms T104M.
Identifiers: ClinVar variation 1425237 (VCV001425237.7), dbSNP rs1442604022, ClinGen allele CA381277675.

ClinVar aggregate classification (germline): Uncertain significance. Review status: criteria provided, multiple submitters, no conflicts (2 of 4 stars). 2 submissions from 2 submitters: Uncertain significance (2). Last evaluated 2024-09-06.

Conditions:
Brachyolmia-amelogenesis imperfecta syndrome. Also called: Tooth agenesis, selective, 6; Dental anomalies and short stature; PLATYSPONDYLY WITH AMELOGENESIS IMPERFECTA. Identifiers: Orphanet 2899, MedGen C1832594, MONDO:0011018, OMIM 601216. Disease mechanism: loss of function.
Inborn genetic diseases. Identifiers: MedGen C0950123, MeSH D030342.

Allele frequency attached by ClinVar (database versions not stated): gnomAD exomes below 0.00001; gnomAD 0.00001; TOPMed 0.00001.
gnomAD v4.1: 3 of 1,610,496 alleles (0.00019%); highest among the groups gnomAD compares: Admixed American, 0.0017%; no homozygotes.

Submissions (2):

Labcorp Genetics (formerly Invitae), Labcorp
Classification: Uncertain significance for Brachyolmia-amelogenesis imperfecta syndrome. Last evaluated: 2024-09-06. Review status: criteria provided, single submitter. Criteria: Invitae Variant Classification Sherloc (09022015). Collection method: clinical testing. Allele origin: germline.
Comment: This sequence change replaces threonine, which is neutral and polar, with methionine, which is neutral and non-polar, at codon 104 of the LTBP3 protein (p.Thr104Met). The frequency data for this variant in the population databases is considered unreliable, as metrics indicate poor data quality at this position in the gnomAD database. This variant has not been reported in the literature in individuals affected with LTBP3-related conditions. ClinVar contains an entry for this variant (Variation ID: 1425237). An algorithm developed to predict the effect of missense changes on protein structure and function (PolyPhen-2) suggests that this variant is likely to be disruptive. In summary, the available evidence is currently insufficient to determine the role of this variant in disease. Therefore, it has been classified as a Variant of Uncertain Significance.

Ambry Genetics
Classification: Uncertain significance for Inborn genetic diseases. Last evaluated: 2023-11-30. Review status: criteria provided, single submitter. Criteria: Ambry Variant Classification Scheme 2023. Collection method: clinical testing. Allele origin: germline.
Comment: The p.T104M variant (also known as c.311C>T), located in coding exon 1 of the LTBP3 gene, results from a C to T substitution at nucleotide position 311. The threonine at codon 104 is replaced by methionine, an amino acid with similar properties. This amino acid position is conserved. In addition, the in silico prediction for this alteration is inconclusive. Since supporting evidence is limited at this time, the clinical significance of this alteration remains unclear.